The following is an entry in ClinVar:

ClinVar aggregate classification (germline): Uncertain significance (1 of 4 stars; one submission).

Conditions:
Hereditary cancer-predisposing syndrome. Also called: Hereditary neoplastic syndrome; Neoplastic Syndromes, Hereditary; Tumor predisposition; Hereditary Cancer Syndrome. Identifiers: Orphanet 140162, MedGen C0027672, MeSH D009386, MONDO:0015356.

Submission:

Ambry Genetics
Classification: Uncertain significance for Hereditary cancer-predisposing syndrome. Last evaluated: 2025-08-02. Review status: criteria provided, single submitter. Criteria: Ambry Variant Classification Scheme 2023. Collection method: clinical testing. Allele origin: germline.
Comment: The p.Y951C variant (also known as c.2852A>G), located in coding exon 15 of the APC gene, results from an A to G substitution at nucleotide position 2852. The tyrosine at codon 951 is replaced by cysteine, an amino acid with highly dissimilar properties. This amino acid position is conserved. In addition, in silico predictors for this gene do not accurately predict pathogenicity. Based on the available evidence, the clinical significance of this variant remains unclear.

NM_000038.6(APC):c.2852A>G (p.Tyr951Cys)

Gene: APC (APC regulator of Wnt signaling pathway; plus strand). Cytogenetic location: 5q22.2.
Variant type: single nucleotide variant.
Coding change: c.2852A>G on transcript NM_000038.6 (MANE Select); coding-DNA position 2852, A replaced by G.
Protein change: p.Tyr951Cys; replaces tyrosine 951 with cysteine.
Molecular consequence: missense variant. On other transcripts: non-coding transcript variant (2).
Genome position (GRCh38, 1-based): chr5:112,838,446, A>G. VCF-style: chr5-112838446-A-G. GRCh37 (hg19) VCF-style: chr5-112174143-A-G.
Other names: c.2852A>G, p.Tyr951Cys (NM_001127510.3, NM_001354895.2, NM_001407450.1); c.2798A>G, p.Tyr933Cys (NM_001127511.3); c.2675A>G, p.Tyr892Cys (NM_001407453.1, NM_001354901.2); c.2603A>G, p.Tyr868Cys (NM_001407454.1, NM_001407455.1, NM_001407456.1 and 1 more transcripts); c.2549A>G, p.Tyr850Cys (NM_001407458.1, NM_001407459.1, NM_001407460.1 and 1 more transcripts); c.2465A>G, p.Tyr822Cys (NM_001407467.1, NM_001407469.1); c.2906A>G, p.Tyr969Cys (NM_001354896.2, NM_001407447.1, NM_001407448.1 and 1 more transcripts); c.2882A>G, p.Tyr961Cys (NM_001354897.2); and 11 more; short protein forms Y668C, Y850C, Y868C, Y961C, Y969C, Y979C, Y567C, Y892C.
Identifiers: ClinVar variation 4121270 (VCV004121270.1).